The following is an entry in ClinVar:

ClinVar aggregate classification (germline): Uncertain significance. Review status: criteria provided, multiple submitters, no conflicts (2 of 4 stars). 2 submissions from 2 submitters: Uncertain significance (2). Last evaluated 2025-03-27.

Conditions:
Hereditary cancer-predisposing syndrome. Also called: Tumor predisposition; Hereditary neoplastic syndrome; Neoplastic Syndromes, Hereditary; Hereditary Cancer Syndrome. Identifiers: Orphanet 140162, MedGen C0027672, MeSH D009386, MONDO:0015356.

gnomAD v4.1: 1 of 1,614,248 alleles (0.000062%); no homozygotes.

Submissions (2):

Ambry Genetics
Classification: Uncertain significance for Hereditary cancer-predisposing syndrome. Last evaluated: 2025-03-27. Review status: criteria provided, single submitter. Criteria: Ambry Variant Classification Scheme 2023. Collection method: clinical testing. Allele origin: germline.
Comment: The p.D1045H variant (also known as c.3133G>C), located in coding exon 26 of the POLE gene, results from a G to C substitution at nucleotide position 3133. The aspartic acid at codon 1045 is replaced by histidine, an amino acid with similar properties. This amino acid position is conserved. In addition, the in silico prediction for this alteration is inconclusive. Based on the available evidence, the clinical significance of this variant remains unclear.

Labcorp Genetics (formerly Invitae), Labcorp
Classification: Uncertain significance. Last evaluated: 2021-11-30. Review status: criteria provided, single submitter. Criteria: Invitae Variant Classification Sherloc (09022015). Collection method: clinical testing. Allele origin: germline.
Comment: This variant has not been reported in the literature in individuals affected with POLE-related conditions. This variant is not present in population databases (gnomAD no frequency). This sequence change replaces aspartic acid, which is acidic and polar, with histidine, which is basic and polar, at codon 1045 of the POLE protein (p.Asp1045His). Algorithms developed to predict the effect of missense changes on protein structure and function are either unavailable or do not agree on the potential impact of this missense change (SIFT: "Deleterious"; PolyPhen-2: "Probably Damaging"; Align-GVGD: "Class C0"). In summary, the available evidence is currently insufficient to determine the role of this variant in disease. Therefore, it has been classified as a Variant of Uncertain Significance.

NM_006231.4(POLE):c.3133G>C (p.Asp1045His)

Gene: POLE (DNA polymerase epsilon, catalytic subunit; minus strand). Cytogenetic location: 12q24.33.
Variant type: single nucleotide variant.
Coding change: c.3133G>C on transcript NM_006231.4 (MANE Select); coding-DNA position 3133, G replaced by C.
Protein change: p.Asp1045His; replaces aspartic acid 1045 with histidine.
Molecular consequence: missense variant.
Genome position (GRCh38, 1-based): chr12:132,659,437, C>G on the plus strand (G>C on the coding strand, the complement: POLE is on the minus strand). VCF-style: chr12-132659437-C-G. GRCh37 (hg19) VCF-style: chr12-133236023-C-G.
Other names: c.3133G>C (NM_006231.2); short protein forms D1045H.
Identifiers: ClinVar variation 1491923 (VCV001491923.7), dbSNP rs2138677438, ClinGen allele CA387391052.